The following is an entry in ClinVar:

ClinVar aggregate classification (germline): Uncertain significance (1 of 4 stars; one submission).

Submission:

Labcorp Genetics (formerly Invitae), Labcorp
Classification: Uncertain significance. Last evaluated: 2022-08-19. Review status: criteria provided, single submitter. Criteria: Invitae Variant Classification Sherloc (09022015). Collection method: clinical testing. Allele origin: germline.
Comment: In summary, the available evidence is currently insufficient to determine the role of this variant in disease. Therefore, it has been classified as a Variant of Uncertain Significance. Algorithms developed to predict the effect of missense changes on protein structure and function are either unavailable or do not agree on the potential impact of this missense change (SIFT: "Deleterious"; PolyPhen-2: "Possibly Damaging"; Align-GVGD: "Class C0"). This variant has not been reported in the literature in individuals affected with MFSD2A-related conditions. This variant is not present in population databases (gnomAD no frequency). This sequence change replaces threonine, which is neutral and polar, with isoleucine, which is neutral and non-polar, at codon 187 of the MFSD2A protein (p.Thr187Ile).

NM_032793.5(MFSD2A):c.521C>T (p.Thr174Ile)

Gene: MFSD2A (MFSD2 lysolipid transporter A, lysophospholipid; plus strand). Cytogenetic location: 1p34.2.
Variant type: single nucleotide variant.
Coding change: c.521C>T on transcript NM_032793.5 (MANE Select); coding-DNA position 521, C replaced by T.
Protein change: p.Thr174Ile; replaces threonine 174 with isoleucine.
Molecular consequence: missense variant. On other transcripts: non-coding transcript variant (1).
Genome position (GRCh38, 1-based): chr1:39,965,514, C>T. VCF-style: chr1-39965514-C-T. GRCh37 (hg19) VCF-style: chr1-40431186-C-T.
Other names: c.560C>T, p.Thr187Ile (NM_001136493.3); c.53C>T, p.Thr18Ile (NM_001287808.2); c.410C>T, p.Thr137Ile (NM_001287809.2); c.515C>T, p.Thr172Ile (NM_001349821.2); c.521C>T, p.Thr174Ile (NM_001349822.2); c.176C>T, p.Thr59Ile (NM_001349823.2); short protein forms T137I, T172I, T174I, T187I, T18I, T59I.
Identifiers: ClinVar variation 1716900 (VCV001716900.5), dbSNP rs1645139753, ClinGen allele CA339834884.
Genomic context (GRCh38, chr1:39,965,514, plus strand): 5'-CCTGTCTTCTATGCCAGTGTTTCCATGTTCCCTACTCGGCTCTCACCATGTTCATCAGCA[C>T]CGAGCAGACTGAGCGGGATTCTGCCACCGCCTATCGTGAGTCTCCCCAGCCCACCTGACC-3'
Protein context (NP_116182.2, residues 164-184): PYSALTMFIS[Thr174Ile]EQTERDSATA